The following is an entry in ClinVar:

NM_001287491.2(TET3):c.4253G>A (p.Gly1418Asp)

Gene: TET3 (tet methylcytosine dioxygenase 3; plus strand). Cytogenetic location: 2p13.1.
Variant type: single nucleotide variant.
Coding change: c.4253G>A on transcript NM_001287491.2 (MANE Select); coding-DNA position 4253, G replaced by A.
Protein change: p.Gly1418Asp; replaces glycine 1418 with aspartic acid.
Molecular consequence: missense variant.
Genome position (GRCh38, 1-based): chr2:74,101,041, G>A. VCF-style: chr2-74101041-G-A. GRCh37 (hg19) VCF-style: chr2-74328168-G-A.
Other names: c.3974G>A, p.Gly1325Asp (NM_001366022.1); short protein forms G1325D, G1418D.
Identifiers: ClinVar variation 4755922 (VCV004755922.1).

ClinVar aggregate classification (germline): Uncertain significance (1 of 4 stars; one submission).

gnomAD v4.1: 5 of 1,613,056 alleles (0.00031%); highest among the groups gnomAD compares: African/African-American, 0.0013%; no homozygotes.

Submission:

GeneDx
Classification: Uncertain significance. Last evaluated: 2025-08-04. Review status: criteria provided, single submitter. Criteria: GeneDx Variant Classification Process June 2021. Collection method: clinical testing. Allele origin: germline. Affected: yes.
Comment: In silico analysis suggests that this missense variant does not alter protein structure/function; Has not been previously published as pathogenic or benign to our knowledge